The following is an entry in ClinVar:

NM_002485.5(NBN):c.1338T>C (p.Ala446=)

Gene: NBN (nibrin; minus strand). Cytogenetic location: 8q21.3.
Variant type: single nucleotide variant.
Coding change: c.1338T>C on transcript NM_002485.5 (MANE Select); coding-DNA position 1338, T replaced by C.
Protein change: p.Ala446=; no amino-acid change (alanine 446 retained).
Molecular consequence: synonymous variant.
Genome position (GRCh38, 1-based): chr8:89,955,342, A>G on the plus strand (T>C on the coding strand, the complement: NBN is on the minus strand). VCF-style: chr8-89955342-A-G. GRCh37 (hg19) VCF-style: chr8-90967570-A-G.
Other names: c.1092T>C, p.Ala364= (NM_001024688.3).
Identifiers: ClinVar variation 481827 (VCV000481827.44), dbSNP rs1373132755, ClinGen allele CA462114891.

ClinVar aggregate classification (germline): Likely benign. Review status: criteria provided, multiple submitters, no conflicts (2 of 4 stars). 5 submissions from 5 submitters: Likely benign (5). Last evaluated 2025-12-20.

Conditions:
Microcephaly, normal intelligence and immunodeficiency (NBS). Also called: SEEMANOVA SYNDROME II; Immunodeficiency, microcephaly with normal intelligence; Nijmegen breakage syndrome; Microcephaly with normal intelligence immunodeficiency and lymphoreticular malignancies; Nonsyndromal microcephaly autosomal recessive with normal intelligence; Seemanova syndrome 2. Identifiers: Orphanet 647, MedGen C0398791, MONDO:0009623, OMIM 251260.
Hereditary cancer-predisposing syndrome. Also called: Hereditary neoplastic syndrome; Tumor predisposition; Neoplastic Syndromes, Hereditary; Hereditary Cancer Syndrome. Identifiers: Orphanet 140162, MedGen C0027672, MeSH D009386, MONDO:0015356.

Allele frequency attached by ClinVar (database versions not stated): gnomAD exomes below 0.00001.

Submissions (5):

Women's Health and Genetics/Laboratory Corporation of America, LabCorp
Classification: Likely benign. Last evaluated: 2025-12-20. Review status: criteria provided, single submitter. Criteria: LabCorp Variant Classification Summary - May 2015. Collection method: clinical testing. Allele origin: germline.

Labcorp Genetics (formerly Invitae), Labcorp
Classification: Likely benign for Microcephaly, normal intelligence and immunodeficiency. Last evaluated: 2024-11-16. Review status: criteria provided, single submitter. Criteria: Invitae Variant Classification Sherloc (09022015). Collection method: clinical testing. Allele origin: germline.

CeGaT Center for Human Genetics Tuebingen
Classification: Likely benign. Last evaluated: 2023-08-01. Review status: criteria provided, single submitter. Criteria: CeGaT Center For Human Genetics Tuebingen Variant Classification Criteria Version 2. Collection method: clinical testing. Allele origin: germline. Affected: yes. Observed: 1 variant allele.
Comment: NBN: BP4, BP7

GeneDx
Classification: Likely benign. Last evaluated: 2018-04-06. Review status: criteria provided, single submitter. Criteria: GeneDx Variant Classification (06012015). Collection method: clinical testing. Allele origin: germline. Affected: yes.
Comment: This variant is considered likely benign or benign based on one or more of the following criteria: it is a conservative change, it occurs at a poorly conserved position in the protein, it is predicted to be benign by multiple in silico algorithms, and/or has population frequency not consistent with disease.

Ambry Genetics
Classification: Likely benign for Hereditary cancer-predisposing syndrome. Last evaluated: 2017-02-01. Review status: criteria provided, single submitter. Criteria: Ambry Variant Classification Scheme 2023. Collection method: clinical testing. Allele origin: germline.